The following is an entry in ClinVar:

NM_030777.4(SLC2A10):c.625C>T (p.Leu209=)

Gene: SLC2A10 (solute carrier family 2 member 10; plus strand). Cytogenetic location: 20q13.12.
Variant type: single nucleotide variant.
Coding change: c.625C>T on transcript NM_030777.4 (MANE Select); coding-DNA position 625, C replaced by T.
Protein change: p.Leu209=; no amino-acid change (leucine 209 retained).
Molecular consequence: synonymous variant.
Genome position (GRCh38, 1-based): chr20:46,725,661, C>T. VCF-style: chr20-46725661-C-T. GRCh37 (hg19) VCF-style: chr20-45354300-C-T.
Identifiers: ClinVar variation 338592 (VCV000338592.25), dbSNP rs748662135, ClinGen allele CA9892010.

ClinVar aggregate classification (germline): Conflicting classifications of pathogenicity. Review status: criteria provided, conflicting classifications (1 of 4 stars). 7 submissions from 7 submitters: Uncertain significance (1); Likely benign (6). Last evaluated 2026-06-26.

Conditions:
Familial thoracic aortic aneurysm and aortic dissection (TAAD). Also called: Thoracic aortic aneurysms and dissections. Identifiers: Orphanet 91387, MedGen C4707243, MONDO:0019625.
Arterial tortuosity syndrome (ATORS). Identifiers: Orphanet 3342, MedGen C1859726, MONDO:0008818, OMIM 208050.

Allele frequency attached by ClinVar (database versions not stated): ExAC 0.00004; TOPMed 0.00005.

Submissions (7):

Women's Health and Genetics/Laboratory Corporation of America, LabCorp
Classification: Likely benign. Last evaluated: 2026-06-26. Review status: criteria provided, single submitter. Criteria: LabCorp Variant Classification Summary - May 2015. Collection method: clinical testing. Allele origin: germline.

CeGaT Center for Human Genetics Tuebingen
Classification: Likely benign. Last evaluated: 2026-05-01. Review status: criteria provided, single submitter. Criteria: CeGaT Center For Human Genetics Tuebingen Variant Classification Criteria Version 2. Collection method: clinical testing. Allele origin: germline. Affected: yes. Observed: 1 variant allele.
Comment: SLC2A10: BP4, BP7

Labcorp Genetics (formerly Invitae), Labcorp
Classification: Likely benign for Arterial tortuosity syndrome. Last evaluated: 2025-04-26. Review status: criteria provided, single submitter. Criteria: Invitae Variant Classification Sherloc (09022015). Collection method: clinical testing. Allele origin: germline.

ARUP Laboratories, Molecular Genetics and Genomics, ARUP Laboratories
Classification: Likely benign for Arterial tortuosity syndrome. Last evaluated: 2025-01-14. Review status: criteria provided, single submitter. Criteria: ARUP Molecular Germline Variant Investigation Process 2024. Collection method: clinical testing. Allele origin: germline.

GeneDx
Classification: Likely benign. Last evaluated: 2020-11-25. Review status: criteria provided, single submitter. Criteria: GeneDx Variant Classification Process June 2021. Collection method: clinical testing. Allele origin: germline. Affected: yes.

Illumina Laboratory Services, Illumina
Classification: Uncertain significance for Arterial tortuosity syndrome. Last evaluated: 2018-01-13. Review status: criteria provided, single submitter. Criteria: ICSL Variant Classification Criteria 13 December 2019. Collection method: clinical testing. Allele origin: germline.

Ambry Genetics
Classification: Likely benign for Familial thoracic aortic aneurysm and aortic dissection. Last evaluated: 2017-04-03. Review status: criteria provided, single submitter. Criteria: Ambry Variant Classification Scheme 2023. Collection method: clinical testing. Allele origin: germline.